The following is an entry in ClinVar:

NM_007254.4(PNKP):c.199-8_199-5del

Gene: PNKP (polynucleotide kinase 3'-phosphatase; minus strand). Cytogenetic location: 19q13.33.
Variant type: Deletion.
Coding change: c.199-8_199-5del on transcript NM_007254.4 (MANE Select); 8 bases into the intron before coding-DNA position 199 through 5 bases into the intron before coding-DNA position 199, 4 bases deleted (TTCT; older notation c.199-8_199-5delTTCT).
Molecular consequence: intron variant.
Genome position (GRCh38, 1-based): chr19:49,865,431-49,865,434, AGAA deleted on the plus strand (TTCT on the coding strand, the reverse complement: PNKP is on the minus strand); deleting any 4 consecutive bases within chr19:49,865,431-49,865,437 gives the same sequence; the c. name uses the placement nearest the transcript's 3' end. VCF-style (leftmost placement, unchanged base first): chr19-49865430-CAGAA-C. GRCh37 (hg19) VCF-style: chr19-50368687-CAGAA-C.
Other names: c.199-8_199-5delTTCT (NM_007254.3).
Identifiers: ClinVar variation 648031 (VCV000648031.10), dbSNP rs751037387, ClinGen allele CA9586995.

ClinVar aggregate classification (germline): Conflicting classifications of pathogenicity. Review status: criteria provided, conflicting classifications (1 of 4 stars). 2 submissions from 2 submitters: Pathogenic (1); Uncertain significance (1). Last evaluated 2025-02-05.

Conditions:
Developmental and epileptic encephalopathy, 12 (DEE12). Identifiers: MedGen C3150988, MONDO:0013389, OMIM 613722.

Submissions (2):

GeneDx
Classification: Pathogenic. Last evaluated: 2025-02-05. Review status: criteria provided, single submitter. Criteria: GeneDx Variant Classification Process June 2021. Collection method: clinical testing. Allele origin: germline. Affected: yes.
Comment: Non-canonical splice site variant with published functional data demonstrating a damaging splice effect: variant results in multiple aberrant transcripts (PMID: 39417375); Not observed at significant frequency in large population cohorts (gnomAD); This variant is associated with the following publications: (PMID: 39417375)

Labcorp Genetics (formerly Invitae), Labcorp
Classification: Uncertain significance for Developmental and epileptic encephalopathy, 12. Last evaluated: 2022-07-05. Review status: criteria provided, single submitter. Criteria: Invitae Variant Classification Sherloc (09022015). Collection method: clinical testing. Allele origin: germline.
Comment: This sequence change falls in intron 3 of the PNKP gene. It does not directly change the encoded amino acid sequence of the PNKP protein. The frequency data for this variant in the population databases is considered unreliable, as metrics indicate poor data quality at this position in the gnomAD database. This variant has not been reported in the literature in individuals affected with PNKP-related conditions. ClinVar contains an entry for this variant (Variation ID: 648031). Algorithms developed to predict the effect of sequence changes on RNA splicing suggest that this variant may disrupt the consensus splice site. In summary, the available evidence is currently insufficient to determine the role of this variant in disease. Therefore, it has been classified as a Variant of Uncertain Significance.